The following is an entry in ClinVar:

NM_001394998.1(TANC2):c.2004G>A (p.Arg668=)

Gene: TANC2 (tetratricopeptide repeat, ankyrin repeat and coiled-coil containing 2; plus strand). Cytogenetic location: 17q23.3.
Variant type: single nucleotide variant.
Coding change: c.2004G>A on transcript NM_001394998.1 (MANE Select); coding-DNA position 2004, G replaced by A.
Protein change: p.Arg668=; no amino-acid change (arginine 668 retained).
Molecular consequence: synonymous variant.
Genome position (GRCh38, 1-based): chr17:63,354,812, G>A. VCF-style: chr17-63354812-G-A. GRCh37 (hg19) VCF-style: chr17-61432173-G-A.
Other names: c.1782G>A, p.Arg594= (NM_001411076.1, NM_025185.4).
Identifiers: ClinVar variation 2648052 (VCV002648052.24), dbSNP rs373471160, ClinGen allele CA8697727.

ClinVar aggregate classification (germline): Likely benign (1 of 4 stars; one submission).

Allele frequency attached by ClinVar (database versions not stated): gnomAD exomes 0.00004; ExAC 0.00005; ESP Exome Variant Server 0.00008; gnomAD 0.00014; 1000 Genomes Project 0.00020; TOPMed 0.00023; 1000 Genomes Project 30x 0.00031.
gnomAD v4.1: 80 of 1,579,870 alleles (0.0051%); highest among the groups gnomAD compares: Admixed American, 0.049%; 1 homozygote.

Submission:

CeGaT Center for Human Genetics Tuebingen
Classification: Likely benign. Last evaluated: 2024-08-01. Review status: criteria provided, single submitter. Criteria: CeGaT Center For Human Genetics Tuebingen Variant Classification Criteria Version 2. Collection method: clinical testing. Allele origin: germline. Affected: yes. Observed: 1 variant allele.
Comment: TANC2: BP4, BS2